The following is an entry in ClinVar:

NM_001270508.2(TNFAIP3):c.1863G>C (p.Lys621Asn)

Gene: TNFAIP3 (TNF alpha induced protein 3; plus strand). Cytogenetic location: 6q23.3.
Variant type: single nucleotide variant.
Coding change: c.1863G>C on transcript NM_001270508.2 (MANE Select); coding-DNA position 1863, G replaced by C.
Protein change: p.Lys621Asn; replaces lysine 621 with asparagine.
Molecular consequence: missense variant.
Genome position (GRCh38, 1-based): chr6:137,879,308, G>C. VCF-style: chr6-137879308-G-C. GRCh37 (hg19) VCF-style: chr6-138200445-G-C.
Other names: c.1863G>C, p.Lys621Asn (NM_001270507.2, NM_006290.4); short protein forms K621N.
Identifiers: ClinVar variation 1719122 (VCV001719122.5), dbSNP rs1482052537, ClinGen allele CA365793967.

ClinVar aggregate classification (germline): Uncertain significance (1 of 4 stars; one submission).

Allele frequency attached by ClinVar (database versions not stated): gnomAD exomes below 0.00001.

Submission:

Labcorp Genetics (formerly Invitae), Labcorp
Classification: Uncertain significance. Last evaluated: 2022-09-09. Review status: criteria provided, single submitter. Criteria: Invitae Variant Classification Sherloc (09022015). Collection method: clinical testing. Allele origin: germline.
Comment: In summary, the available evidence is currently insufficient to determine the role of this variant in disease. Therefore, it has been classified as a Variant of Uncertain Significance. Advanced modeling of protein sequence and biophysical properties (such as structural, functional, and spatial information, amino acid conservation, physicochemical variation, residue mobility, and thermodynamic stability) performed at Invitae indicates that this missense variant is not expected to disrupt TNFAIP3 protein function. This sequence change replaces lysine, which is basic and polar, with asparagine, which is neutral and polar, at codon 621 of the TNFAIP3 protein (p.Lys621Asn). This variant is present in population databases (no rsID available, gnomAD 0.002%). This variant has not been reported in the literature in individuals affected with TNFAIP3-related conditions.